The following is an entry in ClinVar:

ClinVar aggregate classification (germline): Benign (1 of 4 stars; one submission).

Allele frequency attached by ClinVar (database versions not stated): gnomAD 0.02385; TOPMed 0.02464; 1000 Genomes Project 0.02576; 1000 Genomes Project 30x 0.02795.
gnomAD v4.1: 3,539 of 152,072 alleles (2.3%); highest among the groups gnomAD compares: African/African-American, 7.7%; 115 homozygotes.

Submission:

GeneDx
Classification: Benign. Last evaluated: 2018-06-14. Review status: criteria provided, single submitter. Criteria: GeneDx Variant Classification (06012015). Collection method: clinical testing. Allele origin: germline. Affected: yes.
Comment: This variant is considered likely benign or benign based on one or more of the following criteria: it is a conservative change, it occurs at a poorly conserved position in the protein, it is predicted to be benign by multiple in silico algorithms, and/or has population frequency not consistent with disease.

NM_006258.4(PRKG1):c.1709+178G>A

Gene: PRKG1 (protein kinase cGMP-dependent 1; plus strand). Cytogenetic location: 10q21.1.
Variant type: single nucleotide variant.
Coding change: c.1709+178G>A on transcript NM_006258.4 (MANE Select); 178 bases into the intron after coding-DNA position 1709, G replaced by A.
Molecular consequence: intron variant.
Genome position (GRCh38, 1-based): chr10:52,282,494, G>A. VCF-style: chr10-52282494-G-A. GRCh37 (hg19) VCF-style: chr10-54042254-G-A.
Other names: c.1664+178G>A (NM_001098512.3).
Identifiers: ClinVar variation 676342 (VCV000676342.1), dbSNP rs16928850, ClinGen allele CA207400915.
Genomic context (GRCh38, chr10:52,282,494, plus strand): 5'-CAGTTTAATTAGTTATACAGATGACCAGGAATTCATAATGTAAGGTATAAAATAGTCCAG[G>A]CTAGGGCAACCACCTGAACACTAACTTTTGGTCTCATTATTGCTACTTCTTTTTTACATA-3'